The following is an entry in ClinVar:

NM_000102.4(CYP17A1):c.985T>C (p.Tyr329His)

Gene: CYP17A1 (cytochrome P450 family 17 subfamily A member 1; minus strand). Cytogenetic location: 10q24.32.
Variant type: single nucleotide variant.
Coding change: c.985T>C on transcript NM_000102.4 (MANE Select); coding-DNA position 985, T replaced by C.
Protein change: p.Tyr329His; replaces tyrosine 329 with histidine.
Molecular consequence: missense variant.
Genome position (GRCh38, 1-based): chr10:102,832,665, A>G on the plus strand (T>C on the coding strand, the complement: CYP17A1 is on the minus strand). VCF-style: chr10-102832665-A-G. GRCh37 (hg19) VCF-style: chr10-104592422-A-G.
Other names: short protein forms Y329H.
Identifiers: ClinVar variation 3336298 (VCV003336298.1).

ClinVar aggregate classification (germline): Uncertain significance (1 of 4 stars; one submission).

Submission:

Women's Health and Genetics/Laboratory Corporation of America, LabCorp
Classification: Uncertain significance. Last evaluated: 2024-05-01. Review status: criteria provided, single submitter. Criteria: LabCorp Variant Classification Summary - May 2015. Collection method: clinical testing. Allele origin: germline.
Comment: Variant summary: CYP17A1 c.985T>C (p.Tyr329His) results in a conservative amino acid change in the encoded protein sequence. Four of five in-silico tools predict a benign effect of the variant on protein function. The variant was absent in 251448 control chromosomes. The available data on variant occurrences in the general population are insufficient to allow any conclusion about variant significance. To our knowledge, no occurrence of c.985T>C in individuals affected with Congenital Adrenal Hyperplasia and no experimental evidence demonstrating its impact on protein function have been reported. No submitters have cited clinical-significance assessments for this variant to ClinVar. Based on the evidence outlined above, the variant was classified as uncertain significance.